The following is an entry in ClinVar:

ClinVar aggregate classification (germline): Conflicting classifications of pathogenicity. Review status: criteria provided, conflicting classifications (1 of 4 stars). 2 submissions from 2 submitters: Uncertain significance (1); Likely benign (1). Last evaluated 2025-05-05.

Allele frequency attached by ClinVar (database versions not stated): gnomAD exomes below 0.00001 and 0.00001; ExAC 0.00001; gnomAD 0.00001; TOPMed 0.00001.
gnomAD v4.1: 14 of 1,614,078 alleles (0.00087%); highest among the groups gnomAD compares: African/African-American, 0.004%; no homozygotes.

Submissions (2):

Labcorp Genetics (formerly Invitae), Labcorp
Classification: Likely benign. Last evaluated: 2025-05-05. Review status: criteria provided, single submitter. Criteria: Invitae Variant Classification Sherloc (09022015). Collection method: clinical testing. Allele origin: germline.

GeneDx
Classification: Uncertain significance. Last evaluated: 2022-01-24. Review status: criteria provided, single submitter. Criteria: GeneDx Variant Classification Process June 2021. Collection method: clinical testing. Allele origin: germline. Affected: yes.
Comment: Not observed at significant frequency in large population cohorts (gnomAD); In silico analysis supports that this missense variant does not alter protein structure/function; Has not been previously published as pathogenic or benign to our knowledge

NM_014014.5(SNRNP200):c.821G>A (p.Arg274His)

Gene: SNRNP200 (small nuclear ribonucleoprotein U5 subunit 200; minus strand). Cytogenetic location: 2q11.2.
Variant type: single nucleotide variant.
Coding change: c.821G>A on transcript NM_014014.5 (MANE Select); coding-DNA position 821, G replaced by A.
Protein change: p.Arg274His; replaces arginine 274 with histidine.
Molecular consequence: missense variant.
Genome position (GRCh38, 1-based): chr2:96,298,876, C>T on the plus strand (G>A on the coding strand, the complement: SNRNP200 is on the minus strand). VCF-style: chr2-96298876-C-T. GRCh37 (hg19) VCF-style: chr2-96964614-C-T.
Other names: short protein forms R274H.
Identifiers: ClinVar variation 1360344 (VCV001360344.11), dbSNP rs754858849, ClinGen allele CA1779072.